The following is an entry in ClinVar:

ClinVar aggregate classification (germline): Uncertain significance (1 of 4 stars; one submission).

gnomAD v4.1: 11 of 1,489,096 alleles (0.00074%); highest among the groups gnomAD compares: Admixed American, 0.0022%; no homozygotes.

Submission:

Labcorp Genetics (formerly Invitae), Labcorp
Classification: Uncertain significance. Last evaluated: 2024-08-24. Review status: criteria provided, single submitter. Criteria: Invitae Variant Classification Sherloc (09022015). Collection method: clinical testing. Allele origin: germline.
Comment: This sequence change replaces glycine, which is neutral and non-polar, with valine, which is neutral and non-polar, at codon 245 of the ARID1B protein (p.Gly245Val). This variant is not present in population databases (gnomAD no frequency). This variant has not been reported in the literature in individuals affected with ARID1B-related conditions. Experimental studies and prediction algorithms are not available or were not evaluated, and the functional significance of this variant is currently unknown. In summary, the available evidence is currently insufficient to determine the role of this variant in disease. Therefore, it has been classified as a Variant of Uncertain Significance.

NM_001374828.1(ARID1B):c.983G>T (p.Gly328Val)

Gene: ARID1B (AT-rich interaction domain 1B; plus strand). Cytogenetic location: 6q25.3.
Variant type: single nucleotide variant.
Coding change: c.983G>T on transcript NM_001374828.1 (MANE Select); coding-DNA position 983, G replaced by T.
Protein change: p.Gly328Val; replaces glycine 328 with valine.
Molecular consequence: missense variant.
Genome position (GRCh38, 1-based): chr6:156,778,663, G>T. VCF-style: chr6-156778663-G-T. GRCh37 (hg19) VCF-style: chr6-157099797-G-T.
Other names: c.983G>T, p.Gly328Val (NM_001371656.1, NM_001374820.1, NM_017519.3); short protein forms G328V.
Identifiers: ClinVar variation 3670611 (VCV003670611.2).